The following is an entry in ClinVar:

ClinVar aggregate classification (germline): Uncertain significance (1 of 4 stars; one submission).

Conditions:
Hereditary breast ovarian cancer syndrome. Also called: Hereditary breast and ovarian cancer syndrome (HBOC); Hereditary breast and ovarian cancer; Breast and ovarian cancer; BRCA1- and BRCA2-Associated Hereditary Breast and Ovarian Cancer; Hereditary breast and ovarian cancer syndrome; Hereditary breast and/or ovarian cancer syndrome. Identifiers: Orphanet 145, MedGen C0677776, MeSH D061325, MONDO:0003582. Disease mechanism: loss of function.

Submission:

Labcorp Genetics (formerly Invitae), Labcorp
Classification: Uncertain significance for Hereditary breast ovarian cancer syndrome. Last evaluated: 2019-09-13. Review status: criteria provided, single submitter. Criteria: Invitae Variant Classification Sherloc (09022015). Collection method: clinical testing. Allele origin: germline.
Comment: This sequence change replaces histidine with leucine at codon 114 of the BRCA2 protein (p.His114Leu). The histidine residue is weakly conserved and there is a moderate physicochemical difference between histidine and leucine. This variant is not present in population databases (ExAC no frequency). This variant has not been reported in the literature in individuals with BRCA2-related conditions. Algorithms developed to predict the effect of missense changes on protein structure and function output the following: SIFT: "Tolerated"; PolyPhen-2: "Benign"; Align-GVGD: "Class C0". The leucine amino acid residue is found in multiple mammalian species, suggesting that this missense change does not adversely affect protein function. These predictions have not been confirmed by published functional studies and their clinical significance is uncertain. In summary, the available evidence is currently insufficient to determine the role of this variant in disease. Therefore, it has been classified as a Variant of Uncertain Significance.

NM_000059.4(BRCA2):c.341A>T (p.His114Leu)

Gene: BRCA2 (BRCA2 DNA repair associated; plus strand). Cytogenetic location: 13q13.1.
Variant type: single nucleotide variant.
Coding change: c.341A>T on transcript NM_000059.4 (MANE Select); coding-DNA position 341, A replaced by T.
Protein change: p.His114Leu; replaces histidine 114 with leucine.
Molecular consequence: missense variant.
Genome position (GRCh38, 1-based): chr13:32,325,100, A>T. VCF-style: chr13-32325100-A-T. GRCh37 (hg19) VCF-style: chr13-32899237-A-T.
Other names: short protein forms H114L.
Identifiers: ClinVar variation 943328 (VCV000943328.10), dbSNP rs80358586, ClinGen allele CA387756570.